The following is an entry in ClinVar:

NM_000430.4(PAFAH1B1):c.889A>G (p.Thr297Ala)

Gene: PAFAH1B1 (platelet activating factor acetylhydrolase 1b regulatory subunit 1; plus strand). Cytogenetic location: 17p13.3.
Variant type: single nucleotide variant.
Coding change: c.889A>G on transcript NM_000430.4 (MANE Select); coding-DNA position 889, A replaced by G.
Protein change: p.Thr297Ala; replaces threonine 297 with alanine.
Molecular consequence: missense variant.
Genome position (GRCh38, 1-based): chr17:2,674,277, A>G. VCF-style: chr17-2674277-A-G. GRCh37 (hg19) VCF-style: chr17-2577571-A-G.
Other names: short protein forms T297A.
Identifiers: ClinVar variation 1431662 (VCV001431662.6), dbSNP rs778412717, ClinGen allele CA8283264.

ClinVar aggregate classification (germline): Uncertain significance (1 of 4 stars; one submission).

Allele frequency attached by ClinVar (database versions not stated): TOPMed 0.00003.
gnomAD v4.1: 53 of 1,610,236 alleles (0.0033%); highest among the groups gnomAD compares: East Asian, 0.058%; no homozygotes.

Submission:

Labcorp Genetics (formerly Invitae), Labcorp
Classification: Uncertain significance. Last evaluated: 2022-12-04. Review status: criteria provided, single submitter. Criteria: Invitae Variant Classification Sherloc (09022015). Collection method: clinical testing. Allele origin: germline.
Comment: In summary, the available evidence is currently insufficient to determine the role of this variant in disease. Therefore, it has been classified as a Variant of Uncertain Significance. Algorithms developed to predict the effect of missense changes on protein structure and function (SIFT, PolyPhen-2, Align-GVGD) all suggest that this variant is likely to be tolerated. ClinVar contains an entry for this variant (Variation ID: 1431662). This variant has not been reported in the literature in individuals affected with PAFAH1B1-related conditions. This variant is present in population databases (rs778412717, gnomAD 0.06%). This sequence change replaces threonine, which is neutral and polar, with alanine, which is neutral and non-polar, at codon 297 of the PAFAH1B1 protein (p.Thr297Ala).